The following is an entry in ClinVar:

ClinVar aggregate classification (germline): Benign/Likely benign. Review status: criteria provided, multiple submitters, no conflicts (2 of 4 stars). 4 submissions from 4 submitters: Benign (1); Likely benign (3). Last evaluated 2025-06-16.

Conditions:
Focal segmental glomerulosclerosis 3, susceptibility to (FSGS3). Identifiers: Orphanet 656, MedGen C1842982, MONDO:0011917, OMIM 607832.

Allele frequency attached by ClinVar (database versions not stated): ExAC 0.00007; gnomAD 0.00009; gnomAD exomes 0.00009 and 0.00012; TOPMed 0.00011; ESP Exome Variant Server 0.00023.
gnomAD v4.1: 190 of 1,609,384 alleles (0.012%); highest among the groups gnomAD compares: Middle Eastern, 0.017%; no homozygotes.

Submissions (4):

Labcorp Genetics (formerly Invitae), Labcorp
Classification: Likely benign. Last evaluated: 2025-06-16. Review status: criteria provided, single submitter. Criteria: Invitae Variant Classification Sherloc (09022015). Collection method: clinical testing. Allele origin: germline.

Fulgent Genetics
Classification: Likely benign for Focal segmental glomerulosclerosis 3, susceptibility to. Last evaluated: 2022-05-09. Review status: criteria provided, single submitter. Criteria: ACMG Guidelines, 2015. Collection method: clinical testing. Allele origin: unknown.

Illumina Laboratory Services, Illumina
Classification: Benign for Focal segmental glomerulosclerosis 3, susceptibility to. Last evaluated: 2017-11-06. Review status: criteria provided, single submitter. Criteria: ICSL Variant Classification Criteria 13 December 2019. Collection method: clinical testing. Allele origin: germline.
Comment: This variant was observed as part of a predisposition screen in an ostensibly healthy population. A literature search was performed for the gene, cDNA change, and amino acid change (where applicable). No publications were found based on this search. Allele frequency data from public databases was too high to be consistent with this variant causing disease. Therefore, this variant is classified as benign.

PreventionGenetics, part of Exact Sciences
Classification: Likely benign. Review status: criteria provided, single submitter. Criteria: ACMG Guidelines, 2015. Collection method: clinical testing. Allele origin: germline.

NM_012120.3(CD2AP):c.792C>T (p.Thr264=)

Gene: CD2AP (CD2 associated protein; plus strand). Cytogenetic location: 6p12.3.
Variant type: single nucleotide variant.
Coding change: c.792C>T on transcript NM_012120.3 (MANE Select); coding-DNA position 792, C replaced by T.
Protein change: p.Thr264=; no amino-acid change (threonine 264 retained).
Molecular consequence: synonymous variant.
Genome position (GRCh38, 1-based): chr6:47,576,586, C>T. VCF-style: chr6-47576586-C-T. GRCh37 (hg19) VCF-style: chr6-47544322-C-T.
Identifiers: ClinVar variation 260192 (VCV000260192.15), dbSNP rs144912461, ClinGen allele CA3844093.